The following is an entry in ClinVar:

NM_001330078.2(NRXN1):c.697G>A (p.Val233Met)

Gene: NRXN1 (neurexin 1; minus strand). Cytogenetic location: 2p16.3.
Variant type: single nucleotide variant.
Coding change: c.697G>A on transcript NM_001330078.2 (MANE Select); coding-DNA position 697, G replaced by A.
Protein change: p.Val233Met; replaces valine 233 with methionine.
Molecular consequence: missense variant.
Genome position (GRCh38, 1-based): chr2:51,027,577, C>T on the plus strand (G>A on the coding strand, the complement: NRXN1 is on the minus strand). VCF-style: chr2-51027577-C-T. GRCh37 (hg19) VCF-style: chr2-51254715-C-T.
Other names: c.697G>A, p.Val233Met (NM_001330090.2, NM_001330093.2, NM_001330094.2 and 15 more transcripts); short protein forms V233M.
Identifiers: ClinVar variation 1054567 (VCV001054567.9), dbSNP rs2105327103, ClinGen allele CA346823476.

ClinVar aggregate classification (germline): Uncertain significance (1 of 4 stars; one submission).

Conditions:
Pitt-Hopkins-like syndrome 2 (PTHSL2). Identifiers: Orphanet 221150, Orphanet 600663, MedGen C3280479, MONDO:0013690, OMIM 614325.

Submission:

Labcorp Genetics (formerly Invitae), Labcorp
Classification: Uncertain significance for Pitt-Hopkins-like syndrome 2. Last evaluated: 2025-07-30. Review status: criteria provided, single submitter. Criteria: Invitae Variant Classification Sherloc (09022015). Collection method: clinical testing. Allele origin: germline.
Comment: This sequence change replaces valine, which is neutral and non-polar, with methionine, which is neutral and non-polar, at codon 233 of the NRXN1 protein (p.Val233Met). This variant is not present in population databases (gnomAD no frequency). This variant has not been reported in the literature in individuals affected with NRXN1-related conditions. ClinVar contains an entry for this variant (Variation ID: 1054567). An algorithm developed to predict the effect of missense changes on protein structure and function (PolyPhen-2) suggests that this variant is likely to be disruptive. In summary, the available evidence is currently insufficient to determine the role of this variant in disease. Therefore, it has been classified as a Variant of Uncertain Significance.